The following is an entry in ClinVar:

ClinVar aggregate classification (germline): Uncertain significance (1 of 4 stars; one submission).

Conditions:
TBX1-related disorder. Also called: TBX1-Related Disorders; TBX1-related condition.

Submission:

PreventionGenetics, part of Exact Sciences
Classification: Uncertain significance for TBX1-related condition. Last evaluated: 2026-06-29. Review status: criteria provided, single submitter. Criteria: ACMG Guidelines, 2015. Collection method: clinical testing. Allele origin: germline.
Comment: The TBX1 c.1232T>G variant is predicted to result in the amino acid substitution p.Leu411Arg. To our knowledge, this variant has not been reported in the literature or in a large population database (gnomAD), indicating this variant is rare. At this time, the clinical significance of this variant is uncertain due to the absence of conclusive functional and genetic evidence.

NM_001379200.1(TBX1):c.1259T>G (p.Leu420Arg)

Gene: TBX1 (T-box transcription factor 1; plus strand). Cytogenetic location: 22q11.21.
Variant type: single nucleotide variant.
Coding change: c.1259T>G on transcript NM_001379200.1 (MANE Select); coding-DNA position 1259, T replaced by G.
Protein change: p.Leu420Arg; replaces leucine 420 with arginine.
Molecular consequence: missense variant. On other transcripts: intron variant (2).
Genome position (GRCh38, 1-based): chr22:19,766,611, T>G. VCF-style: chr22-19766611-T-G. GRCh37 (hg19) VCF-style: chr22-19754134-T-G.
Other names: c.1232T>G, p.Leu411Arg (NM_080647.1); c.1009+609T>G (NM_005992.1, NM_080646.2); short protein forms L411R, L420R.
Identifiers: ClinVar variation 4993852 (VCV004993852.1).